The following is an entry in ClinVar:

NM_000051.4(ATM):c.8286G>A (p.Gln2762=)

Genes: ATM (ATM serine/threonine kinase; plus strand), C11orf65 (chromosome 11 open reading frame 65; minus strand). Cytogenetic location: 11q22.3.
Variant type: single nucleotide variant.
Coding change: c.8286G>A on transcript NM_000051.4 (MANE Select); coding-DNA position 8286, G replaced by A.
Protein change: p.Gln2762=; no amino-acid change (glutamine 2762 retained).
Molecular consequence: synonymous variant. On other transcripts: intron variant (2).
Genome position (GRCh38, 1-based): chr11:108,343,239, G>A. VCF-style: chr11-108343239-G-A. GRCh37 (hg19) VCF-style: chr11-108213966-G-A.
Other names: c.8286G>A, p.Gln2762= (NM_001351834.2); c.641-34168C>T (NM_001330368.2); c.695-7947C>T (NM_001351110.2).
Identifiers: ClinVar variation 3253979 (VCV003253979.1), dbSNP rs2136941329.
Genomic context (GRCh38, chr11:108,343,239, plus strand): 5'-AATGGCCTTTTAAAATTAAAAGGTATTTAATCTGTAACTCCAGGTGGTTCCCCTCTCTCA[G>A]CGAAGTGGTGTTCTTGAATGGTGCACAGGAACTGTCCCCATTGGTGAATTTCTTGTTAAC-3'
Protein context (NP_000042.3, residues 2752-2772): ICTYKVVPLS[Gln2762=]RSGVLEWCTG

ClinVar aggregate classification (germline): Benign (1 of 4 stars; one submission).

Conditions:
Familial cancer of breast. Also called: hereditary breast carcinoma; BREAST CANCER, FAMILIAL; Hereditary breast cancer. Identifiers: Orphanet 227535, MedGen C0346153, MONDO:0016419, OMIM 114480. Disease mechanism: loss of function.

Submission:

Myriad Genetics, Inc.
Classification: Benign for Familial cancer of breast. Last evaluated: 2024-06-19. Review status: criteria provided, single submitter. Criteria: Myriad Autosomal Dominant, Autosomal Recessive and X-Linked Classification Criteria (2023). Collection method: clinical testing. Allele origin: unknown.
Comment: This variant is considered benign. This variant is a silent/synonymous amino acid change and it is not expected to impact splicing.